The following is an entry in ClinVar:

ClinVar aggregate classification (germline): Uncertain significance (1 of 4 stars; one submission).

Allele frequency attached by ClinVar (database versions not stated): gnomAD exomes 0.00001; ExAC 0.00001; gnomAD 0.00002.
gnomAD v4.1: 24 of 1,613,936 alleles (0.0015%); highest among the groups gnomAD compares: Non-Finnish European, 0.0019%; no homozygotes.

Submissions (2):

Labcorp Genetics (formerly Invitae), Labcorp
Classification: Uncertain significance. Last evaluated: 2025-10-31. Review status: criteria provided, single submitter. Criteria: Invitae Variant Classification Sherloc (09022015). Collection method: clinical testing. Allele origin: germline.
Comment: This sequence change replaces lysine, which is basic and polar, with arginine, which is basic and polar, at codon 478 of the NIN protein (p.Lys478Arg). This variant is present in population databases (rs757339324, gnomAD 0.003%). This variant has not been reported in the literature in individuals affected with NIN-related conditions. ClinVar contains an entry for this variant (Variation ID: 2891594). An algorithm developed to predict the effect of missense changes on protein structure and function (PolyPhen-2) suggests that this variant is likely to be disruptive. In summary, the available evidence is currently insufficient to determine the role of this variant in disease. Therefore, it has been classified as a Variant of Uncertain Significance.

Dr. Peter K. Rogan Lab, Western University
No classification provided (evidence only). Condition: Ovarian serous cystadenocarcinoma. Review status: no classification provided. Collection method: in vitro. Allele origin: not applicable. Functional consequence: retained intron. Not counted in ClinVar's aggregate classification.

NM_020921.4(NIN):c.1433A>G (p.Lys478Arg)

Gene: NIN (ninein; minus strand). Cytogenetic location: 14q22.1.
Variant type: single nucleotide variant.
Coding change: c.1433A>G on transcript NM_020921.4 (MANE Select); coding-DNA position 1433, A replaced by G.
Protein change: p.Lys478Arg; replaces lysine 478 with arginine.
Molecular consequence: missense variant.
Genome position (GRCh38, 1-based): chr14:50,770,389, T>C on the plus strand (A>G on the coding strand, the complement: NIN is on the minus strand). VCF-style: chr14-50770389-T-C. GRCh37 (hg19) VCF-style: chr14-51237107-T-C.
Other names: c.1433A>G, p.Lys478Arg (NM_016350.5, NM_182944.3, NM_182946.2); short protein forms K478R.
Identifiers: ClinVar variation 2891594 (VCV002891594.4), dbSNP rs757339324, ClinGen allele CA7182209.